The following is an entry in ClinVar:

NM_000937.5(POLR2A):c.3964A>G (p.Ile1322Val)

Genes: POLR2A (RNA polymerase II subunit A; plus strand), LOC126862482 (CDK7 strongly-dependent group 2 enhancer GRCh37_chr17:7414586-7415785; plus strand). Cytogenetic location: 17p13.1.
Variant type: single nucleotide variant.
Coding change: c.3964A>G on transcript NM_000937.5 (MANE Select); coding-DNA position 3964, A replaced by G.
Protein change: p.Ile1322Val; replaces isoleucine 1322 with valine.
Molecular consequence: missense variant.
Genome position (GRCh38, 1-based): chr17:7,511,451, A>G. VCF-style: chr17-7511451-A-G. GRCh37 (hg19) VCF-style: chr17-7414770-A-G.
Other names: short protein forms I1322V.
Identifiers: ClinVar variation 1190939 (VCV001190939.5), dbSNP rs1301427296, ClinGen allele CA397820095.

ClinVar aggregate classification (germline): Uncertain significance (1 of 4 stars; one submission).

Allele frequency attached by ClinVar (database versions not stated): gnomAD 0.00001; TOPMed 0.00001; gnomAD exomes below 0.00001.

Submission:

GeneDx
Classification: Uncertain significance. Last evaluated: 2026-01-29. Review status: criteria provided, single submitter. Criteria: GeneDx Variant Classification Process June 2021. Collection method: clinical testing. Allele origin: germline. Affected: yes.
Comment: Not observed at significant frequency in large population cohorts (gnomAD); In silico analysis suggests that this missense variant does not alter protein structure/function; Has not been previously published as pathogenic or benign to our knowledge